The following is an entry in ClinVar:

NM_000312.4(PROC):c.160A>T (p.Ser54Cys)

Gene: PROC (protein C, inactivator of coagulation factors Va and VIIIa; plus strand). Cytogenetic location: 2q14.3.
Variant type: single nucleotide variant.
Coding change: c.160A>T on transcript NM_000312.4 (MANE Select); coding-DNA position 160, A replaced by T.
Protein change: p.Ser54Cys; replaces serine 54 with cysteine.
Molecular consequence: missense variant.
Genome position (GRCh38, 1-based): chr2:127,421,372, A>T. VCF-style: chr2-127421372-A-T. GRCh37 (hg19) VCF-style: chr2-128178948-A-T.
Other names: p.Ser54Cys; c.343A>T, p.Ser115Cys (NM_001375602.1); c.223A>T, p.Ser75Cys (NM_001375603.1, NM_001375604.1, NM_001375606.1); c.160A>T, p.Ser54Cys (NM_001375605.1, NM_001375608.1, NM_001375611.1 and 1 more transcripts); c.244A>T, p.Ser82Cys (NM_001375607.1); c.136A>T, p.Ser46Cys (NM_001375609.1); c.154A>T, p.Ser52Cys (NM_001375610.1); short protein forms S54C, S115C, S46C, S52C, S75C, S82C.
Identifiers: ClinVar variation 161338 (VCV000161338.15), dbSNP rs376049280, ClinGen allele CA211721.
Genomic context (GRCh38, chr2:127,421,372, plus strand): 5'-CACCAGGTGCTGCGGATCCGCAAACGTGCCAACTCCTTCCTGGAGGAGCTCCGTCACAGC[A>T]GCCTGGAGCGGGAGTGCATAGAGGAGATCTGTGACTTCGAGGAGGCCAAGGAAATTTTCC-3'
Protein context (NP_000303.1, residues 44-64): NSFLEELRHS[Ser54Cys]LERECIEEIC

ClinVar aggregate classification (germline): Uncertain significance. Review status: criteria provided, multiple submitters, no conflicts (2 of 4 stars). 6 submissions from 6 submitters: Uncertain significance (5). 1 of the submissions does not count toward it. Last evaluated 2025-02-03.

Conditions:
PROC-related disorder. Also called: PROC-related condition.
Thrombophilia due to protein C deficiency, autosomal recessive. Also called: PROC DEFICIENCY, AUTOSOMAL RECESSIVE; PROTEIN C DEFICIENCY, AUTOSOMAL RECESSIVE. Identifiers: Orphanet 745, MedGen C2676759, MONDO:0012860, OMIM 612304.
Thrombophilia due to protein C deficiency, autosomal dominant. Also called: PROC DEFICIENCY, AUTOSOMAL DOMINANT; PROTEIN C DEFICIENCY, AUTOSOMAL DOMINANT. Identifiers: Orphanet 745, MedGen C2674321, MONDO:0008316, OMIM 176860. Disease mechanism: loss of function.

Allele frequency attached by ClinVar (database versions not stated): gnomAD 0.00002; TOPMed 0.00003; gnomAD exomes 0.00006 and 0.00014; ExAC 0.00007; ESP Exome Variant Server 0.00008.
gnomAD v4.1: 202 of 1,613,828 alleles (0.013%); highest among the groups gnomAD compares: Non-Finnish European, 0.017%; no homozygotes.

Submissions (6):

Mayo Clinic Laboratories, Mayo Clinic
Classification: Uncertain significance. Last evaluated: 2025-02-03. Review status: criteria provided, single submitter. Criteria: ACMG Guidelines, 2015. Collection method: clinical testing. Allele origin: germline. Observed: 5 variant alleles.
Comment: PP3, PM2_supporting

Labcorp Genetics (formerly Invitae), Labcorp
Classification: Uncertain significance for Thrombophilia due to protein C deficiency, autosomal dominant. Last evaluated: 2025-01-13. Review status: criteria provided, single submitter. Criteria: Invitae Variant Classification Sherloc (09022015). Collection method: clinical testing. Allele origin: germline.
Comment: This sequence change replaces serine, which is neutral and polar, with cysteine, which is neutral and slightly polar, at codon 54 of the PROC protein (p.Ser54Cys). This variant is present in population databases (rs376049280, gnomAD 0.01%). This missense change has been observed in individual(s) with PROC related conditions (PMID: 7482420, 7740502, 7795150, 10669160, 31821907). ClinVar contains an entry for this variant (Variation ID: 161338). An algorithm developed to predict the effect of missense changes on protein structure and function (PolyPhen-2) suggests that this variant is likely to be disruptive. In summary, the available evidence is currently insufficient to determine the role of this variant in disease. Therefore, it has been classified as a Variant of Uncertain Significance.

PreventionGenetics, part of Exact Sciences
Classification: Uncertain significance for PROC-related condition. Last evaluated: 2024-12-30. Review status: criteria provided, single submitter. Criteria: ACMG Guidelines, 2015. Collection method: clinical testing. Allele origin: germline.
Comment: The PROC c.160A>T variant is predicted to result in the amino acid substitution p.Ser54Cys. This variant was reported in an individual with deep vein thrombosis (Stefanucci et al. 2023. PubMed ID: 37647632). This variant is reported in 0.012% of alleles in individuals of European (Non-Finnish) descent in gnomAD. Although we suspect that this variant may be pathogenic, at this time, the clinical significance of this variant is uncertain due to the absence of conclusive functional and genetic evidence.

Fulgent Genetics
Classification: Uncertain significance for Thrombophilia due to protein C deficiency, autosomal dominant; Thrombophilia due to protein C deficiency, autosomal recessive. Last evaluated: 2021-09-06. Review status: criteria provided, single submitter. Criteria: ACMG Guidelines, 2015. Collection method: clinical testing. Allele origin: unknown.

Center for Genomics, Ann and Robert H. Lurie Children's Hospital of Chicago
Classification: Uncertain significance for Thrombophilia due to protein C deficiency, autosomal dominant; Thrombophilia due to protein C deficiency, autosomal recessive. Review status: criteria provided, single submitter. Criteria: ACMG Guidelines, 2015. Collection method: clinical testing. Allele origin: germline.
Comment: PROC NM_000312.3 exon 3 p.Ser54Cys (c.160A>T):This variant has not been reported in the literature in association with disease and is present in 0.01% (15/128944) of European alleles in the Genome Aggregation Database.This variant is present in ClinVar (Variation ID:161338).Evolutionary conservation and computational predictive tools suggest that this variant may impact the protein. In summary, data on this variant is insufficient for disease classification. Therefore, the clinical significance of this variant is uncertain.

CSER _CC_NCGL, University of Washington
Classification: Uncertain significance for Protein C deficiency. Last evaluated: 2014-06-01. Review status: no assertion criteria provided. Collection method: research. Allele origin: germline. Inheritance: Autosomal dominant inheritance. Study: ESP 6500 variant annotation. Not counted in ClinVar's aggregate classification.
Comment: Variants classified for the Actionable exomic incidental findings in 6503 participants: challenges of variant classification manuscript

Literature cited by the submitters: PubMed 10669160 (cited by Mayo Clinic Laboratories, Mayo Clinic and Labcorp Genetics (formerly Invitae), Labcorp); PubMed 25637381 (cited by Mayo Clinic Laboratories, Mayo Clinic); PubMed 31680443 (cited by Mayo Clinic Laboratories, Mayo Clinic); PubMed 31821907 (cited by Mayo Clinic Laboratories, Mayo Clinic and Labcorp Genetics (formerly Invitae), Labcorp); PubMed 35112923 (cited by Mayo Clinic Laboratories, Mayo Clinic); PubMed 37647632 (cited by Mayo Clinic Laboratories, Mayo Clinic); PubMed 7795150 (cited by Mayo Clinic Laboratories, Mayo Clinic and Labcorp Genetics (formerly Invitae), Labcorp); PubMed 7482420 (cited by Labcorp Genetics (formerly Invitae), Labcorp); PubMed 7740502 (cited by Labcorp Genetics (formerly Invitae), Labcorp).